The following is an entry in ClinVar:

NM_001379110.1(SLC9A6):c.-57+29G>A

Genes: SLC9A6 (solute carrier family 9 member A6; plus strand), LOC130068746 (ATAC-STARR-seq lymphoblastoid silent region 21025; plus strand). Cytogenetic location: Xq26.3.
Variant type: single nucleotide variant.
Coding change: c.-57+29G>A on transcript NM_001379110.1 (MANE Select); 29 bases into the intron after 57 bases upstream of the start codon, G replaced by A.
Molecular consequence: intron variant. On other transcripts: missense variant (2).
Genome position (GRCh38, 1-based): chrX:135,985,506, G>A. VCF-style: chrX-135985506-G-A. GRCh37 (hg19) VCF-style: chrX-135067665-G-A.
Other names: c.4G>A, p.Ala2Thr (NM_001042537.2, NM_006359.3); c.-57+29G>A (NM_001177651.2); c.-57+34G>A (NM_001330652.2); short protein forms A2T.
Identifiers: ClinVar variation 1329746 (VCV001329746.2), dbSNP rs2148129192, ClinGen allele CA414606326.

ClinVar aggregate classification (germline): Uncertain significance (1 of 4 stars; one submission).

Submission:

GeneDx
Classification: Uncertain significance. Last evaluated: 2021-06-22. Review status: criteria provided, single submitter. Criteria: GeneDx Variant Classification Process June 2021. Collection method: clinical testing. Allele origin: germline. Affected: yes.
Comment: Has not been previously published as pathogenic or benign to our knowledge; In silico analysis supports that this missense variant does not alter protein structure/function; Not observed at significant frequency in large population cohorts (Lek et al., 2016); This variant is associated with the following publications: (PMID: 27535533)